The following is an entry in ClinVar:

NM_001110556.2(FLNA):c.7604T>C (p.Val2535Ala)

Genes: FLNA (filamin A; minus strand), LOC107988032 (Xq28 proximal FLNA-EMD recombination region; plus strand). Cytogenetic location: Xq28.
Variant type: single nucleotide variant.
Coding change: c.7604T>C on transcript NM_001110556.2 (MANE Select); coding-DNA position 7604, T replaced by C.
Protein change: p.Val2535Ala; replaces valine 2535 with alanine.
Molecular consequence: missense variant.
Genome position (GRCh38, 1-based): chrX:154,349,514, A>G on the plus strand (T>C on the coding strand, the complement: FLNA is on the minus strand). VCF-style: chrX-154349514-A-G. GRCh37 (hg19) VCF-style: chrX-153577882-A-G.
Other names: c.7580T>C, p.Val2527Ala (NM_001456.4); short protein forms V2527A, V2535A.
Identifiers: ClinVar variation 264256 (VCV000264256.6), dbSNP rs886039104, ClinGen allele CA10587963.

ClinVar aggregate classification (germline): Conflicting classifications of pathogenicity. Review status: criteria provided, conflicting classifications (1 of 4 stars). 2 submissions from 2 submitters: Uncertain significance (1); Benign (1). Last evaluated 2024-12-04.

Conditions:
Cardiovascular phenotype. Identifiers: MedGen CN230736.
Melnick-Needles syndrome (MNS). Also called: Melnick-Needles Syndrome (FLNA-MNS); MELNICK-NEEDLES OSTEODYSPLASTY; OSTEODYSPLASTY OF MELNICK AND NEEDLES. Identifiers: Orphanet 2484, MedGen C0025237, MONDO:0010650, OMIM 309350.
Frontometaphyseal dysplasia (FMD1). Identifiers: Orphanet 1826, MedGen C0265293, MONDO:0015942.
Heterotopia, periventricular, X-linked dominant (PVNH1). Also called: X-linked periventricular heterotopia; PERIVENTRICULAR NODULAR HETEROTOPIA 4; HETEROTOPIA, PERIVENTRICULAR, 1; PERIVENTRICULAR NODULAR HETEROTOPIA 1. Identifiers: Orphanet 2149, Orphanet 82004, MedGen C1848213, MONDO:0010233, OMIM 300049.
Oto-palato-digital syndrome, type II (OPD2). Also called: Otopalatodigital Syndrome Type 2 (FLNA-OPD2); FACIOPALATOOSSEOUS SYNDROME; OPD II SYNDROME; Otopalatodigital Syndrome, Type II. Identifiers: Orphanet 669, Orphanet 90652, MedGen C1844696, MONDO:0010571, OMIM 304120.

Allele frequency attached by ClinVar (database versions not stated): gnomAD exomes below 0.00001 and 0.00001.
gnomAD v4.1: 2 of 1,212,274 alleles (0.00016%); highest among the groups gnomAD compares: East Asian, 0.003%; no homozygotes.

Submissions (2):

Labcorp Genetics (formerly Invitae), Labcorp
Classification: Benign for Oto-palato-digital syndrome, type II; Heterotopia, periventricular, X-linked dominant; Frontometaphyseal dysplasia; Melnick-Needles syndrome. Last evaluated: 2024-12-04. Review status: criteria provided, single submitter. Criteria: Invitae Variant Classification Sherloc (09022015). Collection method: clinical testing. Allele origin: germline.

Ambry Genetics
Classification: Uncertain significance for Cardiovascular phenotype. Last evaluated: 2015-08-28. Review status: criteria provided, single submitter. Criteria: Ambry Autosomal Dominant and X-Linked criteria (10/2015). Collection method: clinical testing. Allele origin: germline. Observed: 1 variant allele.
Comment: There is insufficient or conflicting evidence for classification of this alteration.